The following is an entry in ClinVar:

ClinVar aggregate classification (germline): Pathogenic. Review status: reviewed by expert panel (3 of 4 stars). 2 submissions from 2 submitters: Pathogenic (1). 1 of the submissions does not count toward it. Last evaluated 2022-04-02.

Conditions:
Monogenic diabetes. Identifiers: Orphanet 183625, MedGen C3888631, MONDO:0015967.

Submissions (2):

ClinGen Monogenic Diabetes Variant Curation Expert Panel
Classification: Pathogenic for Monogenic diabetes. Last evaluated: 2022-04-02. Review status: reviewed by expert panel. Criteria: ClinGen Diabetes ACMG Specifications v1 1. Collection method: curation. Allele origin: germline. Inheritance: Autosomal dominant inheritance.
Comment: The c.94G>T variant in the HNF1 homeobox A gene, HNF1A, results in a premature termination at codon 32 (p.(Glu32Ter)) of NM_000545.8. This variant, located in biologically-relevant exon 1 of 10, is predicted to lead to nonsense mediated decay in a gene in which loss-of-function is an established disease mechanism (PVS1; PMID: 23348805). Additionally, this variant was identified in an individual with a clinical history highly specific for HNF1A-MODY (MODY probability calculator result >50%, negative genetic testing for HNF4A) (PP4; internal lab contributor). This variant is absent from gnomAD v2.1.1 (PM2_Supporting). This variant was identified in three unrelated individuals with non-autoimmune and non-absolute/near-absolute insulin-deficient diabetes; however, PS4_Moderate cannot be applied because this number is below the ClinGen MDEP threshold (PMID: 22802087, internal lab contributors). In summary, c.94G>T meets the criteria to be classified as pathogenic for monogenic diabetes. ACMG/AMP criteria applied, as specified by the ClinGen MDEP (specification version 1.0, approved 9/30/21): PVS1, PM2_Supporting, PP4.

Labcorp Genetics (formerly Invitae), Labcorp
Classification: Pathogenic. Last evaluated: 2023-04-28. Review status: criteria provided, single submitter. Criteria: Invitae Variant Classification Sherloc (09022015). Collection method: clinical testing. Allele origin: germline. Not counted in ClinVar's aggregate classification.
Comment: This premature translational stop signal has been observed in individual(s) with HNF1A-related condition (PMID: 22802087). For these reasons, this variant has been classified as Pathogenic. ClinVar contains an entry for this variant (Variation ID: 1676705). This variant is not present in population databases (gnomAD no frequency). This sequence change creates a premature translational stop signal (p.Glu32*) in the HNF1A gene. It is expected to result in an absent or disrupted protein product. Loss-of-function variants in HNF1A are known to be pathogenic (PMID: 15928245, 18003757).

Literature cited by the submitters: PubMed 22802087 (cited by Labcorp Genetics (formerly Invitae), Labcorp); PubMed 15928245 (cited by Labcorp Genetics (formerly Invitae), Labcorp); PubMed 18003757 (cited by Labcorp Genetics (formerly Invitae), Labcorp).

NM_000545.8(HNF1A):c.94G>T (p.Glu32Ter)

Gene: HNF1A (HNF1 homeobox A; plus strand). Cytogenetic location: 12q24.31.
Variant type: single nucleotide variant.
Coding change: c.94G>T on transcript NM_000545.8 (MANE Select); coding-DNA position 94, G replaced by T.
Protein change: p.Glu32Ter; replaces glutamic acid 32 with a stop codon.
Molecular consequence: nonsense.
Genome position (GRCh38, 1-based): chr12:120,978,862, G>T. VCF-style: chr12-120978862-G-T. GRCh37 (hg19) VCF-style: chr12-121416665-G-T.
Other names: NM_001306179.2:c.94G>T; c.94G>T, p.Glu32Ter (NM_001306179.2); short protein forms E32*.
Identifiers: ClinVar variation 1676705 (VCV001676705.6), dbSNP rs1388926124, ClinGen allele CA386952811.